The following is an entry in ClinVar:

NM_004656.4(BAP1):c.1251-4A>G

Gene: BAP1 (BRCA1 associated deubiquitinase 1; minus strand). Cytogenetic location: 3p21.1.
Variant type: single nucleotide variant.
Coding change: c.1251-4A>G on transcript NM_004656.4 (MANE Select); 4 bases into the intron before coding-DNA position 1251, A replaced by G.
Molecular consequence: intron variant.
Genome position (GRCh38, 1-based): chr3:52,403,898, T>C on the plus strand (A>G on the coding strand, the complement: BAP1 is on the minus strand). VCF-style: chr3-52403898-T-C. GRCh37 (hg19) VCF-style: chr3-52437914-T-C.
Identifiers: ClinVar variation 924742 (VCV000924742.13), dbSNP rs750343039, ClinGen allele CA2436843.

ClinVar aggregate classification (germline): Conflicting classifications of pathogenicity. Review status: criteria provided, conflicting classifications (1 of 4 stars). 4 submissions from 4 submitters: Uncertain significance (1); Likely benign (3). Last evaluated 2025-12-22.

Conditions:
Hereditary cancer-predisposing syndrome. Also called: Neoplastic Syndromes, Hereditary; Tumor predisposition; Hereditary Cancer Syndrome; Hereditary neoplastic syndrome. Identifiers: Orphanet 140162, MedGen C0027672, MeSH D009386, MONDO:0015356.
BAP1-related tumor predisposition syndrome (TPDS1). Also called: Tumor susceptibility linked to germline BAP1 mutations; COMMON Syndrome; TUMOR PREDISPOSITION SYNDROME 1; BAP1 tumor predisposition syndrome. Identifiers: Orphanet 289539, MedGen C3280492, MONDO:0013692, OMIM 614327.

Allele frequency attached by ClinVar (database versions not stated): gnomAD 0.00001; gnomAD exomes 0.00001 and 0.00002; ExAC 0.00002.
gnomAD v4.1: 23 of 1,613,474 alleles (0.0014%); highest among the groups gnomAD compares: South Asian, 0.0022%; no homozygotes.

Submissions (4):

Labcorp Genetics (formerly Invitae), Labcorp
Classification: Likely benign for BAP1-related tumor predisposition syndrome. Last evaluated: 2025-12-22. Review status: criteria provided, single submitter. Criteria: Invitae Variant Classification Sherloc (09022015). Collection method: clinical testing. Allele origin: germline.

Myriad Genetics, Inc.
Classification: Likely benign for BAP1-related tumor predisposition syndrome. Last evaluated: 2024-07-16. Review status: criteria provided, single submitter. Criteria: Myriad Autosomal Dominant, Autosomal Recessive and X-Linked Classification Criteria (2023). Collection method: clinical testing. Allele origin: unknown.
Comment: This variant is considered likely benign. This variant is intronic and is not expected to impact mRNA splicing.

Ambry Genetics
Classification: Likely benign for Hereditary cancer-predisposing syndrome. Last evaluated: 2024-06-14. Review status: criteria provided, single submitter. Criteria: Ambry Variant Classification Scheme 2023. Collection method: clinical testing. Allele origin: germline.

Color Diagnostics, LLC DBA Color Health
Classification: Uncertain significance for Hereditary cancer-predisposing syndrome. Last evaluated: 2019-01-04. Review status: criteria provided, single submitter. Criteria: ACMG Guidelines, 2015. Collection method: clinical testing. Allele origin: germline.